The following is an entry in ClinVar:

ClinVar aggregate classification (germline): Pathogenic. Review status: reviewed by expert panel (3 of 4 stars). 9 submissions from 8 submitters: Pathogenic (1). 8 of the submissions do not count toward it. Last evaluated 2020-05-08.

Conditions:
Phenylketonuria (PKU). Also called: Phenylketonuria (PKU); FOLLING DISEASE; OLIGOPHRENIA PHENYLPYRUVICA; Phenylketonurias. Identifiers: Orphanet 716, MedGen C0031485, MONDO:0009861, OMIM 261600. Disease mechanism: loss of function.

Submissions (9):

ClinGen PAH Variant Curation Expert Panel
Classification: Pathogenic for Phenylketonuria. Last evaluated: 2020-05-08. Review status: reviewed by expert panel. Criteria: ClinGen PAH ACMG Specifications v1. Collection method: curation. Allele origin: germline. Inheritance: Autosomal recessive inheritance.
Comment: Variant classified as Pathogenic using the following criteria: PVS1; PM2; PM3; PP4_Moderate. PVS1: frameshift variant in exon 2 of 13, predicted to result in PTC with removal of >10% of the protein and NMD; PM2: absent from ExAC, gnomAD, 1000G, ESP. PP4_Moderate; PM3: c.266_267insC seen on 2 PKU alleles, with BH4 deficiency ruled out (PMID: 21147011). Detected with pathogenic variants IVS12+1G>A and p.I65T (PMID: 9452062); and p.Pro281Leu (Likely Pathogenic per ClinGen PAH VCEP, PMID: 26666653).

Natera, Inc.
Classification: Pathogenic for Phenylketonuria. Last evaluated: 2025-09-05. Review status: criteria provided, single submitter. Criteria: Natera Variant Classification Schema (03/2026). Collection method: clinical testing. Allele origin: germline. Not counted in ClinVar's aggregate classification.
Comment: The c.266dupC variant in PAH is a frameshift variant predicted to shift the reading frame beginning at codon 90 and leads to a stop codon 12 codons downstream. This variant is expected to result in nonsense mediated decay, truncation, or a dysfunctional protein product. This variant is rare in the general population with a frequency below the threshold expected for the associated phenotype(s). This variant has been observed in one or more individuals affected with the associated recessive disease, as either homozygous or compound heterozygous with a second variant (PMID: 9452062). Given the available evidence, this variant is classified as Pathogenic.

Quest Diagnostics Nichols Institute San Juan Capistrano
Classification: Pathogenic. Last evaluated: 2024-03-26. Review status: criteria provided, single submitter. Criteria: Quest Diagnostics criteria. Collection method: clinical testing. Allele origin: unknown. Not counted in ClinVar's aggregate classification.
Comment: The PAH c.266dup (p.Ala90Cysfs*12) variant alters the translational reading frame of the PAH mRNA and causes the premature termination of PAH protein synthesis. This variant has been reported in the published literature in individuals with phenylketonuria (PKU) (PMID: 31332730 (2019), 26666653 (2015), 24368688 (2014), 23430918 (2012), 21147011 (2011), 12655553 (2003)). The frequency of this variant in the general population, 0.000004 (1/251452 chromosomes (Genome Aggregation Database)), is consistent with pathogenicity. Based on the available information, this variant is classified as pathogenic.

Baylor Genetics
Classification: Pathogenic for Phenylketonuria. Last evaluated: 2023-11-10. Review status: criteria provided, single submitter. Criteria: ACMG Guidelines, 2015. Collection method: clinical testing. Allele origin: unknown. Not counted in ClinVar's aggregate classification.

Labcorp Genetics (formerly Invitae), Labcorp
Classification: Pathogenic for Phenylketonuria. Last evaluated: 2023-11-05. Review status: criteria provided, single submitter. Criteria: Invitae Variant Classification Sherloc (09022015). Collection method: clinical testing. Allele origin: germline. Not counted in ClinVar's aggregate classification.
Comment: This sequence change creates a premature translational stop signal (p.Ala90Cysfs*12) in the PAH gene. It is expected to result in an absent or disrupted protein product. Loss-of-function variants in PAH are known to be pathogenic (PMID: 1301187, 9634518). This variant is not present in population databases (gnomAD no frequency). This premature translational stop signal has been observed in individual(s) with clinical features of PAH-related conditions (PMID: 9452062, 24368688, 26666653). This variant is also known as P89fsinsC. ClinVar contains an entry for this variant (Variation ID: 102642). For these reasons, this variant has been classified as Pathogenic.

Women's Health and Genetics/Laboratory Corporation of America, LabCorp
Classification: Pathogenic for Phenylketonuria. Last evaluated: 2022-05-16. Review status: criteria provided, single submitter. Criteria: LabCorp Variant Classification Summary - May 2015. Collection method: clinical testing. Allele origin: germline. Not counted in ClinVar's aggregate classification.
Comment: Variant summary: PAH c.266dupC (p.Ala90CysfsX12) results in a premature termination codon, predicted to cause a truncation of the encoded protein or absence of the protein due to nonsense mediated decay, which are commonly known mechanisms for disease. Truncations downstream of this position have been classified as pathogenic by our laboratory. The variant allele was found at a frequency of 4e-06 in 251452 control chromosomes. c.266dupC is also refered to in the literature as P89fsinsC. It has been reported in individuals affected with Phenylalanine Hydroxylase Deficiency (Phenylketonuria) who are compound heterozygotes for c.266dupC in combination with other PAH-disease related variants (example Michiels_1998, Perez_1999, Aulehla-Scholz_2003, Dobrowolski_2011, Jeannesson-Thivisol_2015, Kuznetcova_2019). These data indicate that the variant is likely to be associated with disease. Three clinical diagnostic laboratories and one expert panel have submitted clinical-significance assessments for this variant to ClinVar after 2014 without evidence for independent evaluation. All laboratories classified the variant as pathogenic. Based on the evidence outlined above, the variant was classified as pathogenic.

Counsyl
Classification: Pathogenic for Phenylketonuria. Last evaluated: 2017-05-25. Review status: no assertion criteria provided. Collection method: clinical testing. Allele origin: unknown. Not counted in ClinVar's aggregate classification.

DeBelle Laboratory for Biochemical Genetics, MUHC/MCH RESEARCH INSTITUTE
No classification provided. Review status: no classification provided. Collection method: not provided. Allele origin: not provided. Not counted in ClinVar's aggregate classification.

DeBelle Laboratory for Biochemical Genetics, MUHC/MCH RESEARCH INSTITUTE
No classification provided. Review status: flagged submission. Collection method: not provided. Allele origin: not provided. Not counted in ClinVar's aggregate classification.
ClinVar note: Reason: This record appears to be redundant with a more recent record from the same submitter.
ClinVar note: Notes: SCV000119482 appears to be redundant with SCV000119484.

Literature cited by the submitters: PubMed 21147011 (cited by 4 submitters); PubMed 9452062 (cited by 5 submitters); PubMed 32668217 (cited by Quest Diagnostics Nichols Institute San Juan Capistrano); PubMed 31332730 (cited by Quest Diagnostics Nichols Institute San Juan Capistrano and Women's Health and Genetics/Laboratory Corporation of America, LabCorp); PubMed 26666653 (cited by 4 submitters); PubMed 24368688 (cited by Quest Diagnostics Nichols Institute San Juan Capistrano and Labcorp Genetics (formerly Invitae), Labcorp); PubMed 23430918 (cited by Quest Diagnostics Nichols Institute San Juan Capistrano and Counsyl); PubMed 12655553 (cited by 3 submitters); PubMed 1301187 (cited by Labcorp Genetics (formerly Invitae), Labcorp); PubMed 9634518 (cited by Labcorp Genetics (formerly Invitae), Labcorp); PubMed 10408782 (cited by Women's Health and Genetics/Laboratory Corporation of America, LabCorp); PubMed 22526846 (cited by Counsyl).

NM_000277.3(PAH):c.266dup (p.Ala90fs)

Gene: PAH (phenylalanine hydroxylase; minus strand). Cytogenetic location: 12q23.2.
Variant type: Duplication.
Coding change: c.266dup on transcript NM_000277.3 (MANE Select); coding-DNA position 266, one base duplicated (C; older notation c.266dupC).
Protein change: p.Ala90fs; shifts the reading frame from alanine 90.
Molecular consequence: frameshift variant.
Genome position (GRCh38, 1-based): chr12:102,894,821, G duplicated on the plus strand (C on the coding strand, the reverse complement: PAH is on the minus strand); the first of 2 consecutive G bases (chr12:102,894,821-102,894,822); duplicating either gives the same sequence. VCF-style (leftmost placement, unchanged base first): chr12-102894820-A-AG. GRCh37 (hg19) VCF-style: chr12-103288598-A-AG.
Other names: c.266dupC (NM_000277.2, NM_000277.1); c.266dup, p.Ala90fs (NM_001354304.2); c.266dup (NM_000277.1); short protein forms A90fs.
Identifiers: ClinVar variation 102642 (VCV000102642.20), dbSNP rs62506950, ClinGen allele CA229503.